The following continues an entry in ClinVar:

NM_000157.4(GBA1):c.721G>A (p.Gly241Arg)

ClinVar aggregate classification (germline): Pathogenic. Pathogenic (16).

Submissions 11 to 17 of 17:

Broad Center for Mendelian Genomics, Broad Institute of MIT and Harvard
Classification: Pathogenic for Gaucher disease. Last evaluated: 2020-01-22. Review status: criteria provided, single submitter. Criteria: ACMG Guidelines, 2015. Collection method: curation. Allele origin: germline. Inheritance: Autosomal recessive inheritance.
Comment: The p.Gly241Arg variant in GBA has been reported in at least 13 individuals with Gaucher disease (PMID: 22429443, 24022302, 11259172) and has been identified in 0.012% (2/16254) of African chromosomes by the Genome Aggregation Database (gnomAD; dbSNP rs409652). Although this variant has been seen in the general population, its frequency is low enough to be consistent with a recessive carrier frequency. Trio analysis showed this variant to be de novo in one individual (PMID: 24022302). In vitro functional studies demonstrating reduced enzyme activity in transfected COS-7 cells provide some evidence that the p.Gly241Arg variant may impact protein function (PMID: 11259172, 25084554). However, these types of assays may not accurately represent biological function. Computational prediction tools suggest that this variant may impact the protein, though this information is not predictive enough to determine pathogenicity. The Gly at position 241 is highly conserved in mammals and evolutionary distant species, but 1 mammal (Gorilla) carries an Arg, raising the possibility that this change at this position may be tolerated. The presence of this variant in combination with reported pathogenic variants in 12 individuals with Gaucher disease increases the likelihood that the p.Gly241Arg variant is pathogenic (VariationID: 4288, 4290; PMID: 22429443, 11259172). In summary, this variant meets criteria to be classified as pathogenic for Gaucher disease in an autosomal recessive manner based on the presence of the variant in combination with other pathogenic variants, functional studies, and the occurrence of the variant de novo in a Gaucher disease patient. ACMG/AMP Criteria applied: PM3_very-strong, PS3, PS2, PM2_supporting (Richards 2015).

Foundation for Research in Genetics and Endocrinology, FRIGE's Institute of Human Genetics
Classification: Pathogenic for Gaucher disease type II. Last evaluated: 2018-04-09. Review status: criteria provided, single submitter. Criteria: ACMG Guidelines, 2015. Collection method: clinical testing. Allele origin: germline. Inheritance: Autosomal recessive inheritance. Affected: yes. Observed: 1 variant allele, 1 homozygote.
Comment: A homozygous missense variant in exon 6 of the GBA1 gene that results in the amino acid substitution of Arginine for Glycine at codon 241 was detected. The observed variant c.721G>A has not been reported in the 1000 genomes and has a MAF of 0.0032% in the gnomAD databases. The in-silico prediction of the variant is deleterious by MutationTaster2, DANN, and FATHMM. In summary, the variant meets our criteria to be classified as pathogenic.

Institute of Human Genetics Munich, TUM University Hospital
Classification: Pathogenic for Parkinson disease, late-onset. Last evaluated: 2017-11-16. Review status: criteria provided, single submitter. Criteria: Classification criteria August 2017. Collection method: clinical testing. Allele origin: germline. Inheritance: Autosomal dominant inheritance. Affected: yes. Observed: 1 variant allele.

Women's Health and Genetics/Laboratory Corporation of America, LabCorp
Classification: Pathogenic for Gaucher disease. Last evaluated: 2017-05-08. Review status: criteria provided, single submitter. Criteria: LabCorp Variant Classification Summary - May 2015. Collection method: clinical testing. Allele origin: germline.
Comment: Variant summary: The GBA c.721G>A (p.Gly241Arg) variant (alternatively also known as G202R) involves the alteration of a conserved nucleotide, is located in TIM-barrel domain of the protein (InterPro) and 2/4 in silico tools predict a damaging outcome for this variant (SNPsandGO not captured due to low reliability index). This variant was found in 3/121276 control chromosomes from ExAC at a frequency of 0.0000247, which does not exceed the estimated maximal expected allele frequency of a pathogenic GBA variant (0.005). This variant has been found in several patients with GD mainly from Europe in compound heterozygous state with other known pathogenic variants as well as in homozygous state, including an evidence of cosegregation with disease. In an Italian study, this variant was the third most common pathogenic variant (Filocamo_2002). In vitro functional studies show that this variant leads to severely compromised enzymatic activity and/or trafficking (Grace_1997, Torralba_2001, review by Yu_2009). The functional outcome coupled with severe phenotype (type 2 GD) in patients carrying this variant in homozygous state indicates that it could be a severe mutation. Multiple clinical diagnostic laboratories/reputable databases have classified this variant as pathogenic. Taken together, this variant is classified as pathogenic.

Eurofins Ntd Llc (ga)
Classification: Pathogenic. Last evaluated: 2016-12-06. Review status: criteria provided, single submitter. Criteria: EGL Classification Definitions. Collection method: clinical testing. Allele origin: germline. Observed: 6 variant alleles, 6 heterozygotes.

Baylor Genetics
Classification: Pathogenic for Gaucher disease type I; Gaucher disease type II; Gaucher disease type III; Gaucher disease-ophthalmoplegia-cardiovascular calcification syndrome. Review status: criteria provided, single submitter. Criteria: ACMG Guidelines, 2015. Collection method: clinical testing. Allele origin: germline.

Mayo Clinic Laboratories, Mayo Clinic
Classification: Uncertain significance. Last evaluated: 2015-12-16. Review status: no assertion criteria provided. Collection method: clinical testing. Allele origin: unknown. Not counted in ClinVar's aggregate classification.

Literature cited by the submitters: PubMed 12204005 (cited by Labcorp Genetics (formerly Invitae), Labcorp); PubMed 22173904 (cited by Labcorp Genetics (formerly Invitae), Labcorp); PubMed 22247978 (cited by Labcorp Genetics (formerly Invitae), Labcorp); PubMed 23430543 (cited by Labcorp Genetics (formerly Invitae), Labcorp); PubMed 26117366 (cited by Labcorp Genetics (formerly Invitae), Labcorp); PubMed 29091352 (cited by Labcorp Genetics (formerly Invitae), Labcorp and Variantyx, Inc.); PubMed 9153297 (cited by Labcorp Genetics (formerly Invitae), Labcorp and Women's Health and Genetics/Laboratory Corporation of America, LabCorp); PubMed 10744424 (cited by Labcorp Genetics (formerly Invitae), Labcorp); PubMed 26792850 (cited by Variantyx, Inc.); PubMed 29934114 (cited by Variantyx, Inc.); PubMed 33176831 (cited by Variantyx, Inc.); PubMed 33301762 (cited by Variantyx, Inc.); PubMed 22964618 (cited by Variantyx, Inc.); PubMed 32613234 (cited by Variantyx, Inc.); PubMed 34867278 (cited by Variantyx, Inc.); PubMed 32618053 (cited by Variantyx, Inc.); PubMed 37198191 (cited by Variantyx, Inc.); PubMed 37750340 (cited by Variantyx, Inc.); PubMed 32677286 (cited by Variantyx, Inc.); PubMed 32658388 (cited by Variantyx, Inc.); PubMed 10796875 (cited by Natera, Inc.); PubMed 22429443 (cited by Broad Center for Mendelian Genomics, Broad Institute of MIT and Harvard); PubMed 24022302 (cited by Broad Center for Mendelian Genomics, Broad Institute of MIT and Harvard); PubMed 11259172 (cited by Broad Center for Mendelian Genomics, Broad Institute of MIT and Harvard); PubMed 25084554 (cited by Broad Center for Mendelian Genomics, Broad Institute of MIT and Harvard); PubMed 12791040 (cited by Women's Health and Genetics/Laboratory Corporation of America, LabCorp).